The following is an entry in ClinVar:

ClinVar aggregate classification (germline): Likely benign. Review status: criteria provided, multiple submitters, no conflicts (2 of 4 stars). 3 submissions from 3 submitters: Likely benign (3). Last evaluated 2026-02-01.

Allele frequency attached by ClinVar (database versions not stated): ExAC 0.00061; gnomAD 0.00153 and 0.00162.
gnomAD v4.1: 660 of 1,594,986 alleles (0.041%); highest among the groups gnomAD compares: African/African-American, 0.48%; 2 homozygotes.

Submissions (3):

Labcorp Genetics (formerly Invitae), Labcorp
Classification: Likely benign. Last evaluated: 2026-02-01. Review status: criteria provided, single submitter. Criteria: Invitae Variant Classification Sherloc (09022015). Collection method: clinical testing. Allele origin: germline.

CeGaT Center for Human Genetics Tuebingen
Classification: Likely benign. Last evaluated: 2022-07-01. Review status: criteria provided, single submitter. Criteria: CeGaT Center For Human Genetics Tuebingen Variant Classification Criteria Version 2. Collection method: clinical testing. Allele origin: germline. Affected: yes. Observed: 1 variant allele.
Comment: COL18A1: BP4, BP7

Breakthrough Genomics
Classification: Likely benign. Review status: criteria provided, single submitter. Criteria: ACMG Guidelines, 2015. Collection method: not provided. Allele origin: germline. Inheritance: Autosomal recessive inheritance. Affected: yes.

NM_001379500.1(COL18A1):c.2970A>C (p.Pro990=)

Genes: COL18A1 (collagen type XVIII alpha 1 chain; plus strand), SLC19A1 (solute carrier family 19 member 1; minus strand). Cytogenetic location: 21q22.3.
Variant type: single nucleotide variant.
Coding change: c.2970A>C on transcript NM_001379500.1 (MANE Select); coding-DNA position 2970, A replaced by C.
Protein change: p.Pro990=; no amino-acid change (proline 990 retained).
Molecular consequence: synonymous variant.
Genome position (GRCh38, 1-based): chr21:45,505,235, A>C. VCF-style: chr21-45505235-A-C. GRCh37 (hg19) VCF-style: chr21-46925149-A-C.
Other names: c.3501A>C, p.Pro1167= (NM_030582.4); c.4206A>C, p.Pro1402= (NM_130444.3).
Identifiers: ClinVar variation 1125191 (VCV001125191.34), dbSNP rs1004161700, ClinGen allele CA10067582.